The following is an entry in ClinVar:

ClinVar aggregate classification (germline): Uncertain significance. Review status: criteria provided, multiple submitters, no conflicts (2 of 4 stars). 2 submissions from 2 submitters: Uncertain significance (2). Last evaluated 2026-08-05.

Conditions:
Inborn genetic diseases. Identifiers: MedGen C0950123, MeSH D030342.
Nemaline myopathy 2 (NEM2). Also called: Nemaline myopathy 2, autosomal recessive. Identifiers: MedGen C1850569, MONDO:0009725, OMIM 256030.

Allele frequency attached by ClinVar (database versions not stated): gnomAD exomes 0.00001; gnomAD 0.00002 and 0.00001; TOPMed 0.00003; ExAC 0.00001.
gnomAD v4.1: 11 of 1,613,850 alleles (0.00068%); highest among the groups gnomAD compares: African/African-American, 0.0027%; no homozygotes.

Submissions (2):

Ambry Genetics
Classification: Uncertain significance for Inborn genetic diseases. Last evaluated: 2026-08-05. Review status: criteria provided, single submitter. Criteria: Ambry Variant Classification Scheme 2023. Collection method: clinical testing. Allele origin: germline.

Labcorp Genetics (formerly Invitae), Labcorp
Classification: Uncertain significance for Nemaline myopathy 2. Last evaluated: 2021-08-31. Review status: criteria provided, single submitter. Criteria: Invitae Variant Classification Sherloc (09022015). Collection method: clinical testing. Allele origin: germline.
Comment: This sequence change replaces glutamine with histidine at codon 3313 of the NEB protein (p.Gln3313His). The glutamine residue is moderately conserved and there is a small physicochemical difference between glutamine and histidine. This variant is present in population databases (rs767908602, ExAC 0.001%). This variant has not been reported in the literature in individuals affected with NEB-related conditions. Algorithms developed to predict the effect of missense changes on protein structure and function are either unavailable or do not agree on the potential impact of this missense change (SIFT: "Deleterious"; PolyPhen-2: "Not Available"; Align-GVGD: "Class C0"). In summary, the available evidence is currently insufficient to determine the role of this variant in disease. Therefore, it has been classified as a Variant of Uncertain Significance.

NM_001164508.2(NEB):c.9939G>C (p.Gln3313His)

Gene: NEB (nebulin; minus strand). Cytogenetic location: 2q23.3.
Variant type: single nucleotide variant.
Coding change: c.9939G>C on transcript NM_001164508.2 (MANE Select); coding-DNA position 9939, G replaced by C.
Protein change: p.Gln3313His; replaces glutamine 3313 with histidine.
Molecular consequence: missense variant.
Genome position (GRCh38, 1-based): chr2:151,627,727, C>G on the plus strand (G>C on the coding strand, the complement: NEB is on the minus strand). VCF-style: chr2-151627727-C-G. GRCh37 (hg19) VCF-style: chr2-152484241-C-G.
Other names: c.9939G>C, p.Gln3313His (NM_001164507.2, NM_001271208.2); c.9210G>C, p.Gln3070His (NM_004543.5); c.9210G>C (NM_004543.4); short protein forms Q3070H, Q3313H.
Identifiers: ClinVar variation 1403843 (VCV001403843.6), dbSNP rs767908602, ClinGen allele CA1909158.